The following is an entry in ClinVar:

NM_006949.4(STXBP2):c.1394G>A (p.Arg465His)

Gene: STXBP2 (syntaxin binding protein 2; plus strand). Cytogenetic location: 19p13.2.
Variant type: single nucleotide variant.
Coding change: c.1394G>A on transcript NM_006949.4 (MANE Select); coding-DNA position 1394, G replaced by A.
Protein change: p.Arg465His; replaces arginine 465 with histidine.
Molecular consequence: missense variant. On other transcripts: non-coding transcript variant (1).
Genome position (GRCh38, 1-based): chr19:7,646,286, G>A. VCF-style: chr19-7646286-G-A. GRCh37 (hg19) VCF-style: chr19-7711172-G-A.
Other names: c.1394G>A (NM_006949.2); c.1385G>A, p.Arg462His (NM_001127396.3); c.1427G>A, p.Arg476His (NM_001272034.2); short protein forms R465H, R476H, R462H.
Identifiers: ClinVar variation 285969 (VCV000285969.11), dbSNP rs771732155, ClinGen allele CA10605319.

ClinVar aggregate classification (germline): Uncertain significance. Review status: criteria provided, multiple submitters, no conflicts (2 of 4 stars). 3 submissions from 3 submitters: Uncertain significance (3). Last evaluated 2025-10-30.

Conditions:
Inborn genetic diseases. Identifiers: MedGen C0950123, MeSH D030342.
Familial hemophagocytic lymphohistiocytosis 5. Also called: STXBP2-Related Familial Hemophagocytic Lymphohistiocytosis (STXBP2-fHLH). Identifiers: Orphanet 540, MedGen C2751293, MONDO:0013135, OMIM 613101.

Allele frequency attached by ClinVar (database versions not stated): gnomAD 0.00001; TOPMed 0.00002.
gnomAD v4.1: 10 of 1,611,238 alleles (0.00062%); highest among the groups gnomAD compares: Admixed American, 0.0017%; no homozygotes.

Submissions (3):

Ambry Genetics
Classification: Uncertain significance for Inborn genetic diseases. Last evaluated: 2025-10-30. Review status: criteria provided, single submitter. Criteria: Ambry Variant Classification Scheme 2023. Collection method: clinical testing. Allele origin: germline.

Labcorp Genetics (formerly Invitae), Labcorp
Classification: Uncertain significance for Familial hemophagocytic lymphohistiocytosis 5. Last evaluated: 2022-06-13. Review status: criteria provided, single submitter. Criteria: Invitae Variant Classification Sherloc (09022015). Collection method: clinical testing. Allele origin: germline.
Comment: This sequence change replaces arginine, which is basic and polar, with histidine, which is basic and polar, at codon 465 of the STXBP2 protein (p.Arg465His). The frequency data for this variant in the population databases is considered unreliable, as metrics indicate poor data quality at this position in the gnomAD database. This variant has not been reported in the literature in individuals affected with STXBP2-related conditions. ClinVar contains an entry for this variant (Variation ID: 285969). Algorithms developed to predict the effect of missense changes on protein structure and function (SIFT, PolyPhen-2, Align-GVGD) all suggest that this variant is likely to be tolerated. In summary, the available evidence is currently insufficient to determine the role of this variant in disease. Therefore, it has been classified as a Variant of Uncertain Significance.

Eurofins Ntd Llc (ga)
Classification: Uncertain significance. Last evaluated: 2016-01-29. Review status: criteria provided, single submitter. Criteria: EGL Classification Definitions 2015. Collection method: clinical testing. Allele origin: germline. Observed: 1 variant allele, 1 heterozygote.